The following is an entry in ClinVar:

ClinVar aggregate classification (germline): Uncertain significance. Review status: criteria provided, multiple submitters, no conflicts (2 of 4 stars). 2 submissions from 2 submitters: Uncertain significance (2). Last evaluated 2024-12-10.

Conditions:
Inborn genetic diseases. Identifiers: MedGen C0950123, MeSH D030342.
Growth hormone insensitivity with immune dysregulation 1, autosomal recessive. Also called: LARON SYNDROME DUE TO POSTRECEPTOR DEFECT; Laron syndrome with immunodeficiency; GROWTH HORMONE INSENSITIVITY DUE TO POSTRECEPTOR DEFECT; GROWTH HORMONE INSENSITIVITY SYNDROME WITH IMMUNE DYSREGULATION 1, AUTOSOMAL RECESSIVE. Identifiers: Orphanet 220465, MedGen C5435698, MONDO:0100211, OMIM 245590.

Allele frequency attached by ClinVar (database versions not stated): gnomAD 0.00001.

Submissions (2):

Ambry Genetics
Classification: Uncertain significance for Inborn genetic diseases. Last evaluated: 2024-12-10. Review status: criteria provided, single submitter. Criteria: Ambry Variant Classification Scheme 2023. Collection method: clinical testing. Allele origin: germline.

Labcorp Genetics (formerly Invitae), Labcorp
Classification: Uncertain significance for Growth hormone insensitivity with immune dysregulation 1, autosomal recessive. Last evaluated: 2024-03-03. Review status: criteria provided, single submitter. Criteria: Invitae Variant Classification Sherloc (09022015). Collection method: clinical testing. Allele origin: germline.
Comment: This sequence change replaces valine, which is neutral and non-polar, with isoleucine, which is neutral and non-polar, at codon 686 of the STAT5B protein (p.Val686Ile). This variant is not present in population databases (gnomAD no frequency). This variant has not been reported in the literature in individuals affected with STAT5B-related conditions. Advanced modeling of protein sequence and biophysical properties (such as structural, functional, and spatial information, amino acid conservation, physicochemical variation, residue mobility, and thermodynamic stability) performed at Invitae indicates that this missense variant is not expected to disrupt STAT5B protein function with a negative predictive value of 80%. In summary, the available evidence is currently insufficient to determine the role of this variant in disease. Therefore, it has been classified as a Variant of Uncertain Significance.

NM_012448.4(STAT5B):c.2056G>A (p.Val686Ile)

Gene: STAT5B (signal transducer and activator of transcription 5B; minus strand). Cytogenetic location: 17q21.2.
Variant type: single nucleotide variant.
Coding change: c.2056G>A on transcript NM_012448.4 (MANE Select); coding-DNA position 2056, G replaced by A.
Protein change: p.Val686Ile; replaces valine 686 with isoleucine.
Molecular consequence: missense variant.
Genome position (GRCh38, 1-based): chr17:42,207,579, C>T on the plus strand (G>A on the coding strand, the complement: STAT5B is on the minus strand). VCF-style: chr17-42207579-C-T. GRCh37 (hg19) VCF-style: chr17-40359597-C-T.
Other names: short protein forms V686I.
Identifiers: ClinVar variation 2882940 (VCV002882940.4), dbSNP rs2080096648, ClinGen allele CA399575134.